The following is an entry in ClinVar:

NM_033360.4(KRAS):c.-48_-29dup

Genes: KRAS (KRas proto-oncogene, GTPase; minus strand), LOC130007561 (ATAC-STARR-seq lymphoblastoid silent region 4294; plus strand). Cytogenetic location: 12p12.1.
Variant type: Duplication.
Coding change: c.-48_-29dup on transcript NM_033360.4 (MANE Plus Clinical); 48 bases upstream of the start codon through 29 bases upstream of the start codon, 20 bases duplicated (GGCCAGAGGCTCAGCGGCTC).
Molecular consequence: 5 prime UTR variant.
Genome position (GRCh38, 1-based): chr12:25,250,768-25,250,787, GAGCCGCTGAGCCTCTGGCC duplicated on the plus strand (GGCCAGAGGCTCAGCGGCTC on the coding strand, the reverse complement: KRAS is on the minus strand). VCF-style (leftmost placement, unchanged base first): chr12-25250767-G-GGAGCCGCTGAGCCTCTGGCC. GRCh37 (hg19) VCF-style: chr12-25403701-G-GGAGCCGCTGAGCCTCTGGCC.
Other names: c.-48_-29dup (LRG_344t2, LRG_344t1, NM_004985.5); c.-35_-16dup (NM_001369786.1, NM_001369787.1).
Identifiers: ClinVar variation 177929 (VCV000177929.16), dbSNP rs730880342, ClinGen allele CA181022.

ClinVar aggregate classification (germline): Benign/Likely benign. Review status: criteria provided, multiple submitters, no conflicts (2 of 4 stars). 3 submissions from 3 submitters: Benign (1); Likely benign (2). Last evaluated 2025-06-01.

Allele frequency attached by ClinVar (database versions not stated): gnomAD 0.00058 and 0.00063; gnomAD exomes 0.00065.

Submissions (3):

CeGaT Center for Human Genetics Tuebingen
Classification: Likely benign. Last evaluated: 2025-06-01. Review status: criteria provided, single submitter. Criteria: CeGaT Center For Human Genetics Tuebingen Variant Classification Criteria Version 2. Collection method: clinical testing. Allele origin: germline. Affected: yes. Observed: 1 variant allele.
Comment: KRAS: BS1

GeneDx
Classification: Benign. Last evaluated: 2015-10-23. Review status: criteria provided, single submitter. Criteria: GeneDx Variant Classification Process June 2021. Collection method: clinical testing. Allele origin: germline. Affected: yes.

Laboratory for Molecular Medicine, Mass General Brigham Personalized Medicine
Classification: Likely benign. Last evaluated: 2012-05-17. Review status: criteria provided, single submitter. Criteria: LMM Criteria. Collection method: clinical testing. Allele origin: germline. Observed: 3 variant alleles.
Comment: -48_-29dup in the 5'UTR of exon 1 of KRAS: The -48_-29dup variant in the KRAS 5' UTR has not been previously reported in the literature. Th e 5' UTR plays a role in the regulation of gene expression and variants in this region have been shown to alter protein translation (Mendell 2001, Scheper 2007) . This type of variant has not been previously reported in an individual with a Noonan spectrum disorder.

Literature cited by the submitters: PubMed 11719181 (cited by Laboratory for Molecular Medicine, Mass General Brigham Personalized Medicine); PubMed 17680008 (cited by Laboratory for Molecular Medicine, Mass General Brigham Personalized Medicine).